The following is an entry in ClinVar:

ClinVar aggregate classification (germline): Uncertain significance (1 of 4 stars; one submission).

Conditions:
ZNF407-related disorder. Also called: ZNF407-related condition.

Submission:

PreventionGenetics, part of Exact Sciences
Classification: Uncertain significance for ZNF407-related condition. Last evaluated: 2026-04-28. Review status: criteria provided, single submitter. Criteria: ACMG Guidelines, 2015. Collection method: clinical testing. Allele origin: germline.
Comment: The ZNF407 c.2235C>G variant is predicted to result in the amino acid substitution p.Ser745Arg. To our knowledge, this variant has not been reported in the literature or in a large population database (gnomAD), indicating this variant is rare. At this time, the clinical significance of this variant is uncertain due to the absence of conclusive functional and genetic evidence.

NM_017757.3(ZNF407):c.2235C>G (p.Ser745Arg)

Gene: ZNF407 (zinc finger protein 407; plus strand). Cytogenetic location: 18q22.3.
Variant type: single nucleotide variant.
Coding change: c.2235C>G on transcript NM_017757.3 (MANE Select); coding-DNA position 2235, C replaced by G.
Protein change: p.Ser745Arg; replaces serine 745 with arginine.
Molecular consequence: missense variant.
Genome position (GRCh38, 1-based): chr18:74,633,254, C>G. VCF-style: chr18-74633254-C-G. GRCh37 (hg19) VCF-style: chr18-72345210-C-G.
Other names: c.2235C>G, p.Ser745Arg (NM_001146189.1, NM_001146190.1, NM_001384475.1); short protein forms S745R.
Identifiers: ClinVar variation 4994282 (VCV004994282.1).